The following is an entry in ClinVar:

NM_080546.5(SLC44A1):c.22T>A (p.Ser8Thr)

Gene: SLC44A1 (solute carrier family 44 member 1; plus strand). Cytogenetic location: 9q31.1.
Variant type: single nucleotide variant.
Coding change: c.22T>A on transcript NM_080546.5 (MANE Select); coding-DNA position 22, T replaced by A.
Protein change: p.Ser8Thr; replaces serine 8 with threonine.
Molecular consequence: missense variant.
Genome position (GRCh38, 1-based): chr9:105,244,890, T>A. VCF-style: chr9-105244890-T-A. GRCh37 (hg19) VCF-style: chr9-108007171-T-A.
Other names: p.Ser8Thr; c.22T>A, p.Ser8Thr (NM_001286730.2, NM_001330731.2); c.22T>A (NM_080546.4); short protein forms S8T.
Identifiers: ClinVar variation 2344878 (VCV002344878.10), dbSNP rs1018350024, ClinGen allele CA198204609.

ClinVar aggregate classification (germline): Conflicting classifications of pathogenicity. Review status: criteria provided, conflicting classifications (1 of 4 stars). 4 submissions from 4 submitters: Uncertain significance (1); Likely benign (3). Last evaluated 2025-12-10.

Conditions:
SLC44A1-related disorder. Also called: SLC44A1-related condition.

Allele frequency attached by ClinVar (database versions not stated): 1000 Genomes Project 30x 0.00062; TOPMed 0.00219.
gnomAD v4.1: 4,269 of 1,175,462 alleles (0.36%); highest among the groups gnomAD compares: Non-Finnish European, 0.42%; 9 homozygotes.

Submissions (4):

PreventionGenetics, part of Exact Sciences
Classification: Likely benign for SLC44A1-related condition. Last evaluated: 2025-12-10. Review status: criteria provided, single submitter. Criteria: ACMG Guidelines, 2015. Collection method: clinical testing. Allele origin: germline.
Comment: This variant is classified as likely benign based on ACMG/AMP sequence variant interpretation guidelines (Richards et al. 2015 PMID: 25741868, with internal and published modifications).

Mayo Clinic Laboratories, Mayo Clinic
Classification: Likely benign. Last evaluated: 2025-11-23. Review status: criteria provided, single submitter. Criteria: ACMG Guidelines, 2015. Collection method: clinical testing. Allele origin: germline. Observed: 2 variant alleles.
Comment: BS2, BP4

CeGaT Center for Human Genetics Tuebingen
Classification: Likely benign. Last evaluated: 2025-10-01. Review status: criteria provided, single submitter. Criteria: CeGaT Center For Human Genetics Tuebingen Variant Classification Criteria Version 2. Collection method: clinical testing. Allele origin: germline. Affected: yes. Observed: 1 variant allele.
Comment: SLC44A1: BS2

Ambry Genetics
Classification: Uncertain significance. Last evaluated: 2021-08-02. Review status: criteria provided, single submitter. Criteria: Ambry Variant Classification Scheme 2023. Collection method: clinical testing. Allele origin: germline.